The following is an entry in ClinVar:

NM_000038.6(APC):c.4682dup (p.Asp1562fs)

Gene: APC (APC regulator of Wnt signaling pathway; plus strand). Cytogenetic location: 5q22.2.
Variant type: Duplication.
Coding change: c.4682dup on transcript NM_000038.6 (MANE Select); coding-DNA position 4682, one base duplicated (A; older notation c.4682dupA).
Protein change: p.Asp1562fs; shifts the reading frame from aspartic acid 1562.
Molecular consequence: frameshift variant.
Genome position (GRCh38, 1-based): chr5:112,840,276, A duplicated; the last of 4 consecutive A bases (chr5:112,840,273-112,840,276); duplicating any one gives the same sequence. VCF-style (leftmost placement, unchanged base first): chr5-112840272-G-GA. GRCh37 (hg19) VCF-style: chr5-112175969-G-GA.
Other names: c.4682dup, p.Asp1562fs (NM_001127510.3, NM_001354895.2); c.4628dup, p.Asp1544fs (NM_001127511.3); c.4736dup, p.Asp1580fs (NM_001354896.2); c.4712dup, p.Asp1572fs (NM_001354897.2); c.4607dup, p.Asp1537fs (NM_001354898.2); c.4598dup, p.Asp1534fs (NM_001354899.2); c.4559dup, p.Asp1521fs (NM_001354900.2); c.4505dup, p.Asp1503fs (NM_001354901.2); and 6 more; short protein forms D1534fs, D1537fs, D1544fs, D1580fs, D1279fs, D1436fs, D1503fs, D1521fs.
Identifiers: ClinVar variation 428101 (VCV000428101.3), dbSNP rs1114167552, ClinGen allele CA446206669.

ClinVar aggregate classification (germline): Pathogenic (1 of 4 stars; one submission).

Conditions:
Hereditary cancer-predisposing syndrome. Also called: Hereditary Cancer Syndrome; Neoplastic Syndromes, Hereditary; Hereditary neoplastic syndrome; Tumor predisposition. Identifiers: Orphanet 140162, MedGen C0027672, MeSH D009386, MONDO:0015356.

Submission:

Ambry Genetics
Classification: Pathogenic for Hereditary cancer-predisposing syndrome. Last evaluated: 2013-09-13. Review status: criteria provided, single submitter. Criteria: Ambry Autosomal Dominant and X-Linked criteria (10/2015). Collection method: clinical testing. Allele origin: germline. Observed: 1 variant allele.
Comment: Ã¢â‚¬â€¹The c.4682dupA pathogenic mutation, located in coding exon 15 of the APC gene, results from a duplication of A at position 4682, causing a translational frameshift with a predicted alternate stop codon. Since frameshifts are typically deleterious in nature, this alteration is interpreted as a disease-causing mutation (ACMG Recommendations for Standards for Interpretation and Reporting of Sequence Variations. Revision 2007. Genet Med. 2008;10:294).